The following is an entry in ClinVar:

NM_006269.2(RP1):c.5540T>C (p.Ile1847Thr)

Genes: RP1 (RP1 axonemal microtubule associated; plus strand), LOC126860392 (CDK7 strongly-dependent group 2 enhancer GRCh37_chr8:55541319-55542518; plus strand). Cytogenetic location: 8q12.1.
Variant type: single nucleotide variant.
Coding change: c.5540T>C on transcript NM_006269.2 (MANE Select); coding-DNA position 5540, T replaced by C.
Protein change: p.Ile1847Thr; replaces isoleucine 1847 with threonine.
Molecular consequence: missense variant. On other transcripts: intron variant (1).
Genome position (GRCh38, 1-based): chr8:54,629,422, T>C. VCF-style: chr8-54629422-T-C. GRCh37 (hg19) VCF-style: chr8-55541982-T-C.
Other names: c.787+7134T>C (NM_001375654.1); short protein forms I1847T.
Identifiers: ClinVar variation 1010717 (VCV001010717.11), dbSNP rs757250217, ClinGen allele CA4752088.

ClinVar aggregate classification (germline): Uncertain significance (1 of 4 stars; one submission).

Allele frequency attached by ClinVar (database versions not stated): gnomAD exomes 0.00001; TOPMed 0.00001; ExAC 0.00002; gnomAD 0.00002.
gnomAD v4.1: 28 of 1,613,982 alleles (0.0017%); highest among the groups gnomAD compares: Non-Finnish European, 0.0023%; no homozygotes.

Submission:

Labcorp Genetics (formerly Invitae), Labcorp
Classification: Uncertain significance. Last evaluated: 2024-10-23. Review status: criteria provided, single submitter. Criteria: Invitae Variant Classification Sherloc (09022015). Collection method: clinical testing. Allele origin: germline.
Comment: This sequence change replaces isoleucine, which is neutral and non-polar, with threonine, which is neutral and polar, at codon 1847 of the RP1 protein (p.Ile1847Thr). This variant is present in population databases (rs757250217, gnomAD 0.005%). This variant has not been reported in the literature in individuals affected with RP1-related conditions. ClinVar contains an entry for this variant (Variation ID: 1010717). An algorithm developed to predict the effect of missense changes on protein structure and function outputs the following: PolyPhen-2: "Benign". The threonine amino acid residue is found in multiple mammalian species, which suggests that this missense change does not adversely affect protein function. In summary, the available evidence is currently insufficient to determine the role of this variant in disease. Therefore, it has been classified as a Variant of Uncertain Significance.